The following is an entry in ClinVar:

ClinVar aggregate classification (germline): Conflicting classifications of pathogenicity. Review status: criteria provided, conflicting classifications (1 of 4 stars). 2 submissions from 2 submitters: Uncertain significance (1); Likely benign (1). Last evaluated 2024-02-28.

Conditions:
Inborn genetic diseases. Identifiers: MedGen C0950123, MeSH D030342.
ALG12-congenital disorder of glycosylation (CDG1G). Also called: CDG Ig; Congenital disorder of glycosylation, type Ig; ALG12-CDG. Identifiers: Orphanet 79324, MedGen C2931001, MONDO:0011783, OMIM 607143.

Allele frequency attached by ClinVar (database versions not stated): gnomAD 0.00001 and 0.00002; gnomAD exomes 0.00001; ExAC 0.00002; TOPMed 0.00004.
gnomAD v4.1: 23 of 1,613,868 alleles (0.0014%); highest among the groups gnomAD compares: East Asian, 0.011%; no homozygotes.

Submissions (2):

Ambry Genetics
Classification: Likely benign for Inborn genetic diseases. Last evaluated: 2024-02-28. Review status: criteria provided, single submitter. Criteria: Ambry Variant Classification Scheme 2023. Collection method: clinical testing. Allele origin: germline.

Labcorp Genetics (formerly Invitae), Labcorp
Classification: Uncertain significance for ALG12-congenital disorder of glycosylation. Last evaluated: 2022-08-15. Review status: criteria provided, single submitter. Criteria: Invitae Variant Classification Sherloc (09022015). Collection method: clinical testing. Allele origin: germline.
Comment: This sequence change replaces threonine, which is neutral and polar, with methionine, which is neutral and non-polar, at codon 288 of the ALG12 protein (p.Thr288Met). This variant is present in population databases (rs748227291, gnomAD 0.007%). This variant has not been reported in the literature in individuals affected with ALG12-related conditions. ClinVar contains an entry for this variant (Variation ID: 640867). Algorithms developed to predict the effect of missense changes on protein structure and function output the following: SIFT: "Tolerated"; PolyPhen-2: "Benign"; Align-GVGD: "Class C0". The methionine amino acid residue is found in multiple mammalian species, which suggests that this missense change does not adversely affect protein function. In summary, the available evidence is currently insufficient to determine the role of this variant in disease. Therefore, it has been classified as a Variant of Uncertain Significance.

NM_024105.4(ALG12):c.863C>T (p.Thr288Met)

Gene: ALG12 (ALG12 alpha-1,6-mannosyltransferase; minus strand). Cytogenetic location: 22q13.33.
Variant type: single nucleotide variant.
Coding change: c.863C>T on transcript NM_024105.4 (MANE Select); coding-DNA position 863, C replaced by T.
Protein change: p.Thr288Met; replaces threonine 288 with methionine.
Molecular consequence: missense variant.
Genome position (GRCh38, 1-based): chr22:49,907,850, G>A on the plus strand (C>T on the coding strand, the complement: ALG12 is on the minus strand). VCF-style: chr22-49907850-G-A. GRCh37 (hg19) VCF-style: chr22-50301498-G-A.
Other names: short protein forms T288M.
Identifiers: ClinVar variation 640867 (VCV000640867.6), dbSNP rs748227291, ClinGen allele CA10300423.